The following is an entry in ClinVar:

ClinVar aggregate classification (germline): Uncertain significance. Review status: criteria provided, multiple submitters, no conflicts (2 of 4 stars). 3 submissions from 3 submitters: Uncertain significance (3). Last evaluated 2026-06-15.

Conditions:
DNMT1-related disorder. Also called: DNMT1-related condition. Identifiers: MedGen CN381527.
Hereditary sensory neuropathy-deafness-dementia syndrome. Also called: Hereditary Sensory and Autonomic Neuropathy Type 1E (HSAN1E); Hereditary sensory neuropathy type IE; HSN IE; NEUROPATHY, HEREDITARY SENSORY, WITH HEARING LOSS AND DEMENTIA. Identifiers: Orphanet 456318, MedGen C3279885, MONDO:0013584, OMIM 614116.

Allele frequency attached by ClinVar (database versions not stated): gnomAD exomes below 0.00001; ExAC 0.00001; gnomAD 0.00001; TOPMed 0.00001.
gnomAD v4.1: 7 of 1,613,860 alleles (0.00043%); highest among the groups gnomAD compares: Non-Finnish European, 0.00051%; no homozygotes.

Submissions (3):

PreventionGenetics, part of Exact Sciences
Classification: Uncertain significance for DNMT1-related condition. Last evaluated: 2026-06-15. Review status: criteria provided, single submitter. Criteria: ACMG Guidelines, 2015. Collection method: clinical testing. Allele origin: germline.
Comment: The DNMT1 c.3667C>T variant is predicted to result in the amino acid substitution p.Arg1223Cys. To our knowledge, this variant has not been reported in the literature. This variant is reported in 0.00088% of alleles in individuals of European (Non-Finnish) descent in gnomAD. At this time, the clinical significance of this variant is uncertain due to the absence of conclusive functional and genetic evidence.

Labcorp Genetics (formerly Invitae), Labcorp
Classification: Uncertain significance for Hereditary sensory neuropathy-deafness-dementia syndrome. Last evaluated: 2024-08-28. Review status: criteria provided, single submitter. Criteria: Invitae Variant Classification Sherloc (09022015). Collection method: clinical testing. Allele origin: germline.
Comment: This sequence change replaces arginine, which is basic and polar, with cysteine, which is neutral and slightly polar, at codon 1223 of the DNMT1 protein (p.Arg1223Cys). This variant is present in population databases (rs779029407, gnomAD 0.0009%). This variant has not been reported in the literature in individuals affected with DNMT1-related conditions. ClinVar contains an entry for this variant (Variation ID: 1415880). Invitae Evidence Modeling of protein sequence and biophysical properties (such as structural, functional, and spatial information, amino acid conservation, physicochemical variation, residue mobility, and thermodynamic stability) indicates that this missense variant is not expected to disrupt DNMT1 protein function with a negative predictive value of 80%. In summary, the available evidence is currently insufficient to determine the role of this variant in disease. Therefore, it has been classified as a Variant of Uncertain Significance.

GeneDx
Classification: Uncertain significance. Last evaluated: 2022-09-06. Review status: criteria provided, single submitter. Criteria: GeneDx Variant Classification Process June 2021. Collection method: clinical testing. Allele origin: germline. Affected: yes.
Comment: In silico analysis supports that this missense variant does not alter protein structure/function; Has not been previously published as pathogenic or benign to our knowledge

NM_001130823.3(DNMT1):c.3667C>T (p.Arg1223Cys)

Gene: DNMT1 (DNA methyltransferase 1; minus strand). Cytogenetic location: 19p13.2.
Variant type: single nucleotide variant.
Coding change: c.3667C>T on transcript NM_001130823.3 (MANE Select); coding-DNA position 3667, C replaced by T.
Protein change: p.Arg1223Cys; replaces arginine 1223 with cysteine.
Molecular consequence: missense variant.
Genome position (GRCh38, 1-based): chr19:10,140,185, G>A on the plus strand (C>T on the coding strand, the complement: DNMT1 is on the minus strand). VCF-style: chr19-10140185-G-A. GRCh37 (hg19) VCF-style: chr19-10250861-G-A.
Other names: c.3667C>T (NM_001130823.1, NM_001130823.2); c.3619C>T, p.Arg1207Cys (NM_001318730.2, NM_001379.4); c.3304C>T, p.Arg1102Cys (NM_001318731.2); short protein forms R1223C, R1102C, R1207C.
Identifiers: ClinVar variation 1415880 (VCV001415880.9), dbSNP rs779029407, ClinGen allele CA9187696.
Genomic context (GRCh38, chr19:10,140,185, plus strand): 5'-GGCAGGGCGGCCCGCCGCACAGCATCTCCACGTCTCCCTTCTGGGGCAGCCGCTGGCCGC[G>A]GGAGTTGGTGGTCTCCCCAGCCATGACCAGCTTCAGCAGGATGTTGCAGTCCTCTGTGAA-3'
Protein context (NP_001124295.1, residues 1213-1233): LVMAGETTNS[Arg1223Cys]GQRLPQKGDV